The following is an entry in ClinVar:

ClinVar aggregate classification (germline): Uncertain significance (1 of 4 stars; one submission).

Submission:

Labcorp Genetics (formerly Invitae), Labcorp
Classification: Uncertain significance. Last evaluated: 2025-07-01. Review status: criteria provided, single submitter. Criteria: Invitae Variant Classification Sherloc (09022015). Collection method: clinical testing. Allele origin: germline.
Comment: This sequence change replaces threonine, which is neutral and polar, with alanine, which is neutral and non-polar, at codon 827 of the COL2A1 protein (p.Thr827Ala). This variant is not present in population databases (gnomAD no frequency). This variant has not been reported in the literature in individuals affected with COL2A1-related conditions. Invitae Evidence Modeling of protein sequence and biophysical properties (such as structural, functional, and spatial information, amino acid conservation, physicochemical variation, residue mobility, and thermodynamic stability) indicates that this missense variant is not expected to disrupt COL2A1 protein function with a negative predictive value of 95%. In summary, the available evidence is currently insufficient to determine the role of this variant in disease. Therefore, it has been classified as a Variant of Uncertain Significance.

NM_001844.5(COL2A1):c.2479A>G (p.Thr827Ala)

Gene: COL2A1 (collagen type II alpha 1 chain; minus strand). Cytogenetic location: 12q13.11.
Variant type: single nucleotide variant.
Coding change: c.2479A>G on transcript NM_001844.5 (MANE Select); coding-DNA position 2479, A replaced by G.
Protein change: p.Thr827Ala; replaces threonine 827 with alanine.
Molecular consequence: missense variant.
Genome position (GRCh38, 1-based): chr12:47,980,953, T>C on the plus strand (A>G on the coding strand, the complement: COL2A1 is on the minus strand). VCF-style: chr12-47980953-T-C. GRCh37 (hg19) VCF-style: chr12-48374736-T-C.
Other names: c.2272A>G, p.Thr758Ala (NM_033150.3); short protein forms T827A, T758A.
Identifiers: ClinVar variation 4747061 (VCV004747061.1).
Genomic context (GRCh38, chr12:47,980,953, plus strand): 5'-GAGGATGGACAGAGATACTCACAGGAGGCCCAGCAAATCCCGCTGGTCCGGGGGGCCCAG[T>C]CTCTCCACGTTCACCCTGTGAGAGAAGGGGGCATGGCGAGAGGTCAGGCCCCGCTGCCTG-3'
Protein context (NP_001835.3, residues 817-837): ARGAPGERGE[Thr827Ala]GPPGPAGFAG